The following is an entry in ClinVar:

NM_020988.3(GNAO1):c.155A>G (p.Gln52Arg)

Gene: GNAO1 (G protein subunit alpha o1; plus strand). Cytogenetic location: 16q13.
Variant type: single nucleotide variant.
Coding change: c.155A>G on transcript NM_020988.3 (MANE Select); coding-DNA position 155, A replaced by G.
Protein change: p.Gln52Arg; replaces glutamine 52 with arginine.
Molecular consequence: missense variant.
Genome position (GRCh38, 1-based): chr16:56,192,610, A>G. VCF-style: chr16-56192610-A-G. GRCh37 (hg19) VCF-style: chr16-56226522-A-G.
Other names: c.155A>G, p.Gln52Arg (NM_138736.3); short protein forms Q52R.
Identifiers: ClinVar variation 1389555 (VCV001389555.10), dbSNP rs2143272260, ClinGen allele CA396128646.

ClinVar aggregate classification (germline): Pathogenic. Review status: criteria provided, multiple submitters, no conflicts (2 of 4 stars). 2 submissions from 2 submitters: Pathogenic (2). Last evaluated 2024-04-25.

Conditions:
Early-infantile DEE. Also called: Ohtahara syndrome; Early infantile epileptic encephalopathy; Early infantile epileptic encephalopathy with suppression bursts. Identifiers: Orphanet 1934, MedGen C0393706, MONDO:0800491.

Submissions (2):

Labcorp Genetics (formerly Invitae), Labcorp
Classification: Pathogenic for Early-infantile DEE. Last evaluated: 2024-04-25. Review status: criteria provided, single submitter. Criteria: Invitae Variant Classification Sherloc (09022015). Collection method: clinical testing. Allele origin: germline.
Comment: This sequence change replaces glutamine, which is neutral and polar, with arginine, which is basic and polar, at codon 52 of the GNAO1 protein (p.Gln52Arg). This variant is not present in population databases (gnomAD no frequency). This missense change has been observed in individual(s) with GNAO1-related pediatric encephalopathy (PMID: 34685729). In at least one individual the variant was observed to be de novo. ClinVar contains an entry for this variant (Variation ID: 1389555). Advanced modeling of protein sequence and biophysical properties (such as structural, functional, and spatial information, amino acid conservation, physicochemical variation, residue mobility, and thermodynamic stability) performed at Invitae indicates that this missense variant is expected to disrupt GNAO1 protein function with a positive predictive value of 95%. Experimental studies have shown that this missense change affects GNAO1 function (PMID: 34685729). This variant disrupts the p.Gln52 amino acid residue in GNAO1. Other variant(s) that disrupt this residue have been determined to be pathogenic (PMID: 29390993). This suggests that this residue is clinically significant, and that variants that disrupt this residue are likely to be disease-causing. For these reasons, this variant has been classified as Pathogenic.

GeneDx
Classification: Pathogenic. Last evaluated: 2022-04-21. Review status: criteria provided, single submitter. Criteria: GeneDx Variant Classification Process June 2021. Collection method: clinical testing. Allele origin: germline. Affected: yes.
Comment: Published functional studies demonstrate a damaging effect resulting in deficiency in binding and hydrolyzing GTP, reduced interaction with partner proteins, and significantly decreased plasma membrane localization (Solis et al., 2021); Not observed at significant frequency in large population cohorts (gnomAD); In silico analysis supports that this missense variant has a deleterious effect on protein structure/function; This variant is associated with the following publications: (PMID: 34685729)

Literature cited by the submitters: PubMed 34685729 (cited by Labcorp Genetics (formerly Invitae), Labcorp); PubMed 29390993 (cited by Labcorp Genetics (formerly Invitae), Labcorp).